The following is an entry in ClinVar:

NC_000017.11:g.(?_3489235)_(3729555_?)del

Genes: ASPA (aspartoacylase; plus strand), CTNS (cystinosin, lysosomal cystine transporter; plus strand), CTNS-AS1 (CTNS antisense RNA 1; minus strand), EMC6 (ER membrane protein complex subunit 6; plus strand), HASPIN (histone H3 associated protein kinase; plus strand) and 24 more. Cytogenetic location: 17p13.2.
Variant type: Deletion.
Identifiers: ClinVar variation 583521 (VCV000583521.8).

ClinVar aggregate classification (germline): Uncertain significance. Review status: criteria provided, single submitter (1 of 4 stars). 2 submissions from 1 submitter: Uncertain significance (1). 1 of the submissions does not count toward it. Last evaluated 2021-09-16.

Conditions:
Spongy degeneration of central nervous system. Also called: Canavan disease; Von Bogaert-Bertrand disease; AMINOACYLASE 2 DEFICIENCY; ACY2 DEFICIENCY; ASP DEFICIENCY; ASPA DEFICIENCY. Identifiers: Orphanet 141, MedGen C0206307, MONDO:0010079, OMIM 271900.

Submissions (2):

Labcorp Genetics (formerly Invitae), Labcorp
Classification: Uncertain significance. Last evaluated: 2021-09-16. Review status: criteria provided, single submitter. Criteria: Invitae Variant Classification Sherloc (09022015). Collection method: clinical testing. Allele origin: germline.
Comment: A gross deletion of the genomic region encompassing the full coding sequence of the TAX1BP3 gene has been identified. The current clinical and genetic evidence is not sufficient to establish whether loss-of-function variants in TAX1BP3 cause disease. The boundaries of this event are unknown as they extend beyond the assayed region for this gene and therefore may encompass additional genes. This variant has not been reported in the literature in individuals affected with TAX1BP3-related conditions. In summary, the available evidence is currently insufficient to determine the role of this variant in disease. Therefore, it has been classified as a Variant of Uncertain Significance.

Labcorp Genetics (formerly Invitae), Labcorp
Classification: Pathogenic for Spongy degeneration of central nervous system. Last evaluated: 2018-01-05. Review status: flagged submission. Criteria: Invitae Variant Classification Sherloc (09022015). Collection method: clinical testing. Allele origin: germline. Not counted in ClinVar's aggregate classification.
Comment: This variant is a gross deletion of the genomic region encompassing exons 4-6 of the ASPA gene. The 5' boundary is likely confined to intron 3. The 3' end of this event is unknown as it extends through the termination codon beyond the assayed region for this gene and may encompass additional genes. While this deletion is not anticipated to result in nonsense mediated decay, it is expected to create a truncated protein product or disrupt mRNA translation. This deletion has not been reported in the literature in individuals with ASPA-related disease. An in-frame deletion of exon 4 has been reported in individuals affected with Canavan disease, and has been determined to be pathogenic (PMID: 10909858, 7668285). This suggests that this exon is critical for ASPA protein function, and that other deletions that disrupt it may also be pathogenic. For these reasons, this variant has been classified as Pathogenic.
ClinVar note: Reason: This record appears to be redundant with a more recent record from the same submitter.
ClinVar note: Notes: SCV000836940 appears to be redundant with SCV002183550.

Literature cited by the submitters: PubMed 10909858; PubMed 7668285.